The following is an entry in ClinVar:

NM_005076.5(CNTN2):c.2933G>C (p.Gly978Ala)

Genes: CNTN2 (contactin 2; plus strand), LOC126805985 (MED14-independent group 3 enhancer GRCh37_chr1:205041546-205042745; plus strand). Cytogenetic location: 1q32.1.
Variant type: single nucleotide variant.
Coding change: c.2933G>C on transcript NM_005076.5 (MANE Select); coding-DNA position 2933, G replaced by C.
Protein change: p.Gly978Ala; replaces glycine 978 with alanine.
Molecular consequence: missense variant. On other transcripts: non-coding transcript variant (1).
Genome position (GRCh38, 1-based): chr1:205,073,156, G>C. VCF-style: chr1-205073156-G-C. GRCh37 (hg19) VCF-style: chr1-205042284-G-C.
Other names: c.2933G>C, p.Gly978Ala (NM_001346083.2); short protein forms G978A.
Identifiers: ClinVar variation 1393862 (VCV001393862.8), dbSNP rs1654682070, ClinGen allele CA344383360.

ClinVar aggregate classification (germline): Uncertain significance (1 of 4 stars; one submission).

Conditions:
Epilepsy, familial adult myoclonic, 5 (EPEO5). Also called: CORTICAL MYOCLONIC TREMOR WITH EPILEPSY, FAMILIAL, 5. Identifiers: Orphanet 86814, MedGen C3809374, MONDO:0014167, OMIM 615400.

Submission:

Labcorp Genetics (formerly Invitae), Labcorp
Classification: Uncertain significance for Epilepsy, familial adult myoclonic, 5. Last evaluated: 2022-12-06. Review status: criteria provided, single submitter. Criteria: Invitae Variant Classification Sherloc (09022015). Collection method: clinical testing. Allele origin: germline.
Comment: This variant has not been reported in the literature in individuals affected with CNTN2-related conditions. ClinVar contains an entry for this variant (Variation ID: 1393862). Advanced modeling of protein sequence and biophysical properties (such as structural, functional, and spatial information, amino acid conservation, physicochemical variation, residue mobility, and thermodynamic stability) performed at Invitae indicates that this missense variant is not expected to disrupt CNTN2 protein function. In summary, the available evidence is currently insufficient to determine the role of this variant in disease. Therefore, it has been classified as a Variant of Uncertain Significance. This variant is not present in population databases (gnomAD no frequency). This sequence change replaces glycine, which is neutral and non-polar, with alanine, which is neutral and non-polar, at codon 978 of the CNTN2 protein (p.Gly978Ala).